The following is an entry in ClinVar:

NM_014915.3(ANKRD26):c.776C>T (p.Pro259Leu)

Gene: ANKRD26 (ankyrin repeat domain 26; minus strand). Cytogenetic location: 10p12.1.
Variant type: single nucleotide variant.
Coding change: c.776C>T on transcript NM_014915.3 (MANE Select); coding-DNA position 776, C replaced by T.
Protein change: p.Pro259Leu; replaces proline 259 with leucine.
Molecular consequence: missense variant.
Genome position (GRCh38, 1-based): chr10:27,079,126, G>A on the plus strand (C>T on the coding strand, the complement: ANKRD26 is on the minus strand). VCF-style: chr10-27079126-G-A. GRCh37 (hg19) VCF-style: chr10-27368055-G-A.
Other names: c.776C>T, p.Pro259Leu (NM_001256053.2); short protein forms P259L.
Identifiers: ClinVar variation 4579169 (VCV004579169.1).

ClinVar aggregate classification (germline): Uncertain significance (1 of 4 stars; one submission).

Conditions:
Inborn genetic diseases. Identifiers: MedGen C0950123, MeSH D030342.

gnomAD v4.1: 1 of 1,613,798 alleles (0.000062%); highest among the groups gnomAD compares: South Asian, 0.0011%; no homozygotes.

Submission:

Ambry Genetics
Classification: Uncertain significance for Inborn genetic diseases. Last evaluated: 2025-10-05. Review status: criteria provided, single submitter. Criteria: Ambry Variant Classification Scheme 2023. Collection method: clinical testing. Allele origin: germline.
Comment: The p.P259L variant (also known as c.776C>T), located in coding exon 7 of the ANKRD26 gene, results from a C to T substitution at nucleotide position 776. The proline at codon 259 is replaced by leucine, an amino acid with similar properties. This amino acid position is conserved. In addition, this alteration is predicted to be tolerated by in silico analysis. Based on the available evidence, the clinical significance of this variant remains unclear.